The following is an entry in ClinVar:

ClinVar aggregate classification (germline): Pathogenic (1 of 4 stars; one submission).

Submission:

Labcorp Genetics (formerly Invitae), Labcorp
Classification: Pathogenic. Last evaluated: 2019-02-05. Review status: criteria provided, single submitter. Criteria: Invitae Variant Classification Sherloc (09022015). Collection method: clinical testing. Allele origin: germline.
Comment: This variant is not present in population databases (ExAC no frequency). This sequence change creates a premature translational stop signal (p.Ser2342Ilefs*15) in the USH2A gene. It is expected to result in an absent or disrupted protein product. This variant has not been reported in the literature in individuals with USH2A-related conditions. For these reasons, this variant has been classified as Pathogenic. Loss-of-function variants in USH2A are known to be pathogenic (PMID: 10729113, 10909849, 20507924, 25649381).

Literature cited by the submitters: PubMed 10729113; PubMed 10909849; PubMed 20507924; PubMed 25649381.

NM_206933.4(USH2A):c.7023dup (p.Ser2342fs)

Gene: USH2A (usherin; minus strand). Cytogenetic location: 1q41.
Variant type: Duplication.
Coding change: c.7023dup on transcript NM_206933.4 (MANE Select); coding-DNA position 7023, one base duplicated (A; older notation c.7023dupA).
Protein change: p.Ser2342fs; shifts the reading frame from serine 2342.
Molecular consequence: frameshift variant.
Genome position (GRCh38, 1-based): chr1:215,965,414, T duplicated on the plus strand (A on the coding strand, the reverse complement: USH2A is on the minus strand). VCF-style (leftmost placement, unchanged base first): chr1-215965413-A-AT. GRCh37 (hg19) VCF-style: chr1-216138755-A-AT.
Other names: short protein forms S2342fs.
Identifiers: ClinVar variation 862635 (VCV000862635.7), dbSNP rs1667317168, ClinGen allele CA916082129.